The following is an entry in ClinVar:

ClinVar aggregate classification (germline): Uncertain significance. Review status: criteria provided, multiple submitters, no conflicts (2 of 4 stars). 3 submissions from 3 submitters: Uncertain significance (3). Last evaluated 2025-12-17.

Conditions:
Complement component C1s deficiency. Also called: C1s deficiency; Complement 1s deficiency. Identifiers: MedGen C3151078, MONDO:0013419, OMIM 613783.
Ehlers-Danlos syndrome, periodontal type 2. Identifiers: MedGen C4310681, MONDO:0014954, OMIM 617174.

Allele frequency attached by ClinVar (database versions not stated): gnomAD 0.00001 and 0.00002; gnomAD exomes 0.00001 and 0.00003; ExAC 0.00002; TOPMed 0.00004; ESP Exome Variant Server 0.00008.
gnomAD v4.1: 23 of 1,614,064 alleles (0.0014%); highest among the groups gnomAD compares: Admixed American, 0.012%; no homozygotes.

Submissions (3):

Labcorp Genetics (formerly Invitae), Labcorp
Classification: Uncertain significance. Last evaluated: 2025-12-17. Review status: criteria provided, single submitter. Criteria: Invitae Variant Classification Sherloc (09022015). Collection method: clinical testing. Allele origin: germline.
Comment: This sequence change replaces glycine, which is neutral and non-polar, with arginine, which is basic and polar, at codon 172 of the C1S protein (p.Gly172Arg). This variant is present in population databases (rs375308014, gnomAD 0.01%). This variant has not been reported in the literature in individuals affected with C1S-related conditions. ClinVar contains an entry for this variant (Variation ID: 625898). Invitae Evidence Modeling of protein sequence and biophysical properties (such as structural, functional, and spatial information, amino acid conservation, physicochemical variation, residue mobility, and thermodynamic stability) indicates that this missense variant is not expected to disrupt C1S protein function with a negative predictive value of 80%. In summary, the available evidence is currently insufficient to determine the role of this variant in disease. Therefore, it has been classified as a Variant of Uncertain Significance.

Women's Health and Genetics/Laboratory Corporation of America, LabCorp
Classification: Uncertain significance. Last evaluated: 2025-12-12. Review status: criteria provided, single submitter. Criteria: LabCorp Variant Classification Summary - May 2015. Collection method: clinical testing. Allele origin: germline.
Comment: Variant summary: C1S c.514G>A (p.Gly172Arg) results in a non-conservative amino acid change in the encoded protein sequence. Algorithms developed to predict the effect of missense changes on protein structure and function are either unavailable or do not agree on the potential impact of this missense change. The variant allele was found at a frequency of 2.8e-05 in 251440 control chromosomes. The available data on variant occurrences in the general population are insufficient to allow any conclusion about variant significance. To our knowledge, no occurrence of c.514G>A in individuals affected with C1S-related conditions and no experimental evidence demonstrating its impact on protein function have been reported. ClinVar contains an entry for this variant (Variation ID: 625898). Based on the evidence outlined above, the variant was classified as uncertain significance.

Center for Genomics, Ann and Robert H. Lurie Children's Hospital of Chicago
Classification: Uncertain significance for Complement component C1s deficiency; Ehlers-Danlos syndrome, periodontal type 2. Review status: criteria provided, single submitter. Criteria: ACMG Guidelines, 2015. Collection method: clinical testing. Allele origin: germline.
Comment: C1S NM_001734.4 exon 5 p.Gly172Arg (c.514G>A): This variant has not been reported in the literature but is present in 5/33576 Latino alleles in the Genome Aggregation Database. Evolutionary conservation and computational predictive tools suggest that this variant may impact the protein. In summary, data on this variant is insufficient for disease classification. Therefore, the clinical significance of this variant is uncertain.

NM_001734.5(C1S):c.514G>A (p.Gly172Arg)

Gene: C1S (complement C1s; plus strand). Cytogenetic location: 12p13.31.
Variant type: single nucleotide variant.
Coding change: c.514G>A on transcript NM_001734.5 (MANE Select); coding-DNA position 514, G replaced by A.
Protein change: p.Gly172Arg; replaces glycine 172 with arginine.
Molecular consequence: missense variant.
Genome position (GRCh38, 1-based): chr12:7,064,389, G>A. VCF-style: chr12-7064389-G-A. GRCh37 (hg19) VCF-style: chr12-7171693-G-A.
Other names: c.13G>A, p.Gly5Arg (NM_001346850.2); c.514G>A, p.Gly172Arg (NM_201442.4); short protein forms G172R, G5R.
Identifiers: ClinVar variation 625898 (VCV000625898.8), dbSNP rs375308014, ClinGen allele CA6423470.